The following is an entry in ClinVar:

NM_025179.4(PLXNA2):c.4849T>C (p.Ser1617Pro)

Gene: PLXNA2 (plexin A2; minus strand). Cytogenetic location: 1q32.2.
Variant type: single nucleotide variant.
Coding change: c.4849T>C on transcript NM_025179.4 (MANE Select); coding-DNA position 4849, T replaced by C.
Protein change: p.Ser1617Pro; replaces serine 1617 with proline.
Molecular consequence: missense variant.
Genome position (GRCh38, 1-based): chr1:208,034,508, A>G on the plus strand (T>C on the coding strand, the complement: PLXNA2 is on the minus strand). VCF-style: chr1-208034508-A-G. GRCh37 (hg19) VCF-style: chr1-208207853-A-G.
Other names: short protein forms S1617P.
Identifiers: ClinVar variation 4997466 (VCV004997466.1).

ClinVar aggregate classification (germline): Uncertain significance (1 of 4 stars; one submission).

Conditions:
PLXNA2-related disorder. Also called: PLXNA2-related condition.

Submission:

PreventionGenetics, part of Exact Sciences
Classification: Uncertain significance for PLXNA2-related condition. Last evaluated: 2024-12-06. Review status: criteria provided, single submitter. Criteria: ACMG Guidelines, 2015. Collection method: clinical testing. Allele origin: germline.
Comment: The PLXNA2 c.4849T>C variant is predicted to result in the amino acid substitution p.Ser1617Pro. To our knowledge, this variant has not been reported in the literature or in a large population database (gnomAD), indicating this variant is rare. At this time, the clinical significance of this variant is uncertain due to the absence of conclusive functional and genetic evidence.